The following is an entry in ClinVar:

ClinVar aggregate classification (germline): Benign/Likely benign. Review status: criteria provided, multiple submitters, no conflicts (2 of 4 stars). 5 submissions from 5 submitters: Benign (1); Likely benign (4). Last evaluated 2025-12-08.

Conditions:
Hereditary nonpolyposis colorectal neoplasms. Identifiers: MedGen C0009405, MeSH D003123.
Hereditary cancer-predisposing syndrome. Also called: Neoplastic Syndromes, Hereditary; Hereditary neoplastic syndrome; Tumor predisposition; Hereditary Cancer Syndrome. Identifiers: Orphanet 140162, MedGen C0027672, MeSH D009386, MONDO:0015356.

gnomAD v4.1: 5 of 1,590,906 alleles (0.00031%); highest among the groups gnomAD compares: East Asian, 0.0022%; no homozygotes.

Submissions (5):

Labcorp Genetics (formerly Invitae), Labcorp
Classification: Likely benign for Hereditary nonpolyposis colorectal neoplasms. Last evaluated: 2025-12-08. Review status: criteria provided, single submitter. Criteria: Invitae Variant Classification Sherloc (09022015). Collection method: clinical testing. Allele origin: germline.

Center for Genomic Medicine, Rigshospitalet, Copenhagen University Hospital
Classification: Likely benign. Last evaluated: 2025-03-04. Review status: criteria provided, single submitter. Criteria: ACMG Guidelines, 2015. Collection method: clinical testing. Allele origin: germline.

Ambry Genetics
Classification: Likely benign for Hereditary cancer-predisposing syndrome. Last evaluated: 2016-10-12. Review status: criteria provided, single submitter. Criteria: Ambry Variant Classification Scheme 2023. Collection method: clinical testing. Allele origin: germline.

Color Diagnostics, LLC DBA Color Health
Classification: Likely benign for Hereditary cancer-predisposing syndrome. Last evaluated: 2016-06-26. Review status: criteria provided, single submitter. Criteria: ACMG Guidelines, 2015. Collection method: clinical testing. Allele origin: germline.

GeneDx
Classification: Benign. Last evaluated: 2015-07-15. Review status: criteria provided, single submitter. Criteria: GeneDx Variant Classification (06012015). Collection method: clinical testing. Allele origin: germline. Affected: yes.
Comment: This variant is considered likely benign or benign based on one or more of the following criteria: it is a conservative change, it occurs at a poorly conserved position in the protein, it is predicted to be benign by multiple in silico algorithms, and/or has population frequency not consistent with disease.

NM_000535.7(PMS2):c.780C>A (p.Ser260=)

Gene: PMS2 (PMS1 homolog 2, mismatch repair system component; minus strand). Cytogenetic location: 7p22.1.
Variant type: single nucleotide variant.
Coding change: c.780C>A on transcript NM_000535.7 (MANE Select); coding-DNA position 780, C replaced by A.
Protein change: p.Ser260=; no amino-acid change (serine 260 retained).
Molecular consequence: synonymous variant. On other transcripts: 5 prime UTR variant (2), non-coding transcript variant (1).
Genome position (GRCh38, 1-based): chr7:5,997,349, G>T on the plus strand (C>A on the coding strand, the complement: PMS2 is on the minus strand). VCF-style: chr7-5997349-G-T. GRCh37 (hg19) VCF-style: chr7-6036980-G-T.
Other names: c.375C>A, p.Ser125= (NM_001322003.2, NM_001322004.2, NM_001322005.2 and 2 more transcripts); c.780C>A, p.Ser260= (NM_001322006.2, NM_001322014.2); c.462C>A, p.Ser154= (NM_001322007.2, NM_001322008.2); c.-154C>A (NM_001322011.2, NM_001322012.2); c.207C>A, p.Ser69= (NM_001322013.2); c.471C>A, p.Ser157= (NM_001322015.2).
Identifiers: ClinVar variation 237927 (VCV000237927.23), dbSNP rs1805319, ClinGen allele CA051611.
Genomic context (GRCh38, chr7:5,997,349, plus strand): 5'-TGTTCAATTGTAGTTCTCTTGCCAGCAATCTACTTACTAAAAAAGATTATGCAGAGCATC[G>T]GAACAGCTCAAACCGTACTCTTCACACACGGAGTCACTAGGGGGCAGCTGAACAAAAGGA-3'
Protein context (NP_000526.2, residues 250-270): SVCEEYGLSC[Ser260=]DALHNLFYIS